The following is an entry in ClinVar:

NM_003902.5(FUBP1):c.56G>A (p.Gly19Asp)

Genes: FUBP1 (far upstream element binding protein 1; minus strand), LOC129930801 (ATAC-STARR-seq lymphoblastoid active region 1226; plus strand). Cytogenetic location: 1p31.1.
Variant type: single nucleotide variant.
Coding change: c.56G>A on transcript NM_003902.5 (MANE Select); coding-DNA position 56, G replaced by A.
Protein change: p.Gly19Asp; replaces glycine 19 with aspartic acid.
Molecular consequence: missense variant. On other transcripts: non-coding transcript variant (5).
Genome position (GRCh38, 1-based): chr1:77,978,949, C>T on the plus strand (G>A on the coding strand, the complement: FUBP1 is on the minus strand). VCF-style: chr1-77978949-C-T. GRCh37 (hg19) VCF-style: chr1-78444633-C-T.
Other names: c.56G>A, p.Gly19Asp (NM_001303433.2, NM_001376055.1, NM_001376056.1 and 1 more transcripts); short protein forms G19D.
Identifiers: ClinVar variation 134455 (VCV000134455.1), dbSNP rs587778373, ClinGen allele CA159869.

ClinVar aggregate classification (germline): not provided (0 of 4 stars; one submission).

gnomAD v4.1: 5 of 1,613,658 alleles (0.00031%); highest among the groups gnomAD compares: Non-Finnish European, 0.00042%; no homozygotes.

Submission:

ITMI
No classification provided. Condition: AllHighlyPenetrant. Last evaluated: 2013-09-19. Review status: no classification provided. Collection method: reference population. Allele origin: germline.
Comment: Please see associated publication for description of ethnicities

Literature cited by the submitters: PubMed 24728327.